The following is an entry in ClinVar:

NM_003060.4(SLC22A5):c.1409C>A (p.Ser470Tyr)

Gene: SLC22A5 (solute carrier family 22 member 5; plus strand). Cytogenetic location: 5q31.1.
Variant type: single nucleotide variant.
Coding change: c.1409C>A on transcript NM_003060.4 (MANE Select); coding-DNA position 1409, C replaced by A.
Protein change: p.Ser470Tyr; replaces serine 470 with tyrosine.
Molecular consequence: missense variant.
Genome position (GRCh38, 1-based): chr5:132,392,574, C>A. VCF-style: chr5-132392574-C-A. GRCh37 (hg19) VCF-style: chr5-131728266-C-A.
Other names: c.1481C>A, p.Ser494Tyr (NM_001308122.2); short protein forms S470Y, S494Y.
Identifiers: ClinVar variation 2048266 (VCV002048266.4), dbSNP rs386134222, ClinGen allele CA360809207.

ClinVar aggregate classification (germline): Pathogenic (1 of 4 stars; one submission).

Conditions:
Renal carnitine transport defect (CDSP). Also called: Systemic primary carnitine deficiency disease; CARNITINE DEFICIENCY, SYSTEMIC, DUE TO DEFECT IN RENAL REABSORPTION OF CARNITINE; CARNITINE TRANSPORTER, PLASMA-MEMBRANE, DEFICIENCY OF; CARNITINE UPTAKE DEFECT; Systemic primary carnitine deficiency; Carnitine transporter deficiency. Identifiers: Orphanet 158, MedGen C0342788, MONDO:0008919, OMIM 212140.

Submission:

Labcorp Genetics (formerly Invitae), Labcorp
Classification: Pathogenic for Renal carnitine transport defect. Last evaluated: 2024-11-15. Review status: criteria provided, single submitter. Criteria: Invitae Variant Classification Sherloc (09022015). Collection method: clinical testing. Allele origin: germline.
Comment: This sequence change replaces serine, which is neutral and polar, with tyrosine, which is neutral and polar, at codon 470 of the SLC22A5 protein (p.Ser470Tyr). This variant is not present in population databases (gnomAD no frequency). This missense change has been observed in individual(s) with clinical features of primary carnitine deficiency (internal data). ClinVar contains an entry for this variant (Variation ID: 2048266). Invitae Evidence Modeling of protein sequence and biophysical properties (such as structural, functional, and spatial information, amino acid conservation, physicochemical variation, residue mobility, and thermodynamic stability) indicates that this missense variant is expected to disrupt SLC22A5 protein function with a positive predictive value of 95%. This variant disrupts the p.Ser470 amino acid residue in SLC22A5. Other variant(s) that disrupt this residue have been determined to be pathogenic (PMID: 12210323). This suggests that this residue is clinically significant, and that variants that disrupt this residue are likely to be disease-causing. For these reasons, this variant has been classified as Pathogenic.

Literature cited by the submitters: PubMed 12210323.